The following is an entry in ClinVar:

ClinVar aggregate classification (germline): Uncertain significance (1 of 4 stars; one submission).

Conditions:
Inborn genetic diseases. Identifiers: MedGen C0950123, MeSH D030342.

Submission:

Ambry Genetics
Classification: Uncertain significance for Inborn genetic diseases. Last evaluated: 2023-02-20. Review status: criteria provided, single submitter. Criteria: Ambry Variant Classification Scheme 2023. Collection method: clinical testing. Allele origin: germline.
Comment: The p.K2044R variant (also known as c.6131A>G), located in coding exon 36 of the ATR gene, results from an A to G substitution at nucleotide position 6131. The lysine at codon 2044 is replaced by arginine, an amino acid with highly similar properties. This amino acid position is conserved. In addition, the in silico prediction for this alteration is inconclusive. Since supporting evidence is limited at this time, the clinical significance of this alteration remains unclear.

NM_001184.4(ATR):c.6131A>G (p.Lys2044Arg)

Genes: ATR (ATR checkpoint kinase; minus strand), LOC126806830 (BRD4-independent group 4 enhancer GRCh37_chr3:142203676-142204875; plus strand). Cytogenetic location: 3q23.
Variant type: single nucleotide variant.
Coding change: c.6131A>G on transcript NM_001184.4 (MANE Select); coding-DNA position 6131, A replaced by G.
Protein change: p.Lys2044Arg; replaces lysine 2044 with arginine.
Molecular consequence: missense variant.
Genome position (GRCh38, 1-based): chr3:142,485,230, T>C on the plus strand (A>G on the coding strand, the complement: ATR is on the minus strand). VCF-style: chr3-142485230-T-C. GRCh37 (hg19) VCF-style: chr3-142204072-T-C.
Other names: c.5939A>G, p.Lys1980Arg (NM_001354579.2); short protein forms K1980R, K2044R.
Identifiers: ClinVar variation 2447379 (VCV002447379.2), dbSNP rs2108311361, ClinGen allele CA354809717.